The following is an entry in ClinVar:

ClinVar aggregate classification (germline): Uncertain significance (1 of 4 stars; one submission).

Conditions:
Early-infantile DEE. Also called: Early infantile epileptic encephalopathy; Ohtahara syndrome; Early infantile epileptic encephalopathy with suppression bursts. Identifiers: Orphanet 1934, MedGen C0393706, MONDO:0800491.

Submission:

Labcorp Genetics (formerly Invitae), Labcorp
Classification: Uncertain significance for Early-infantile DEE. Last evaluated: 2021-03-03. Review status: criteria provided, single submitter. Criteria: Invitae Variant Classification Sherloc (09022015). Collection method: clinical testing. Allele origin: germline.
Comment: This variant is not present in population databases (ExAC no frequency). This variant has not been reported in the literature in individuals with SLC25A22-related conditions. Algorithms developed to predict the effect of missense changes on protein structure and function are either unavailable or do not agree on the potential impact of this missense change (SIFT: "Deleterious"; PolyPhen-2: "Benign"; Align-GVGD: "Class C65"). In summary, the available evidence is currently insufficient to determine the role of this variant in disease. Therefore, it has been classified as a Variant of Uncertain Significance. This sequence change replaces tyrosine with cysteine at codon 66 of the SLC25A22 protein (p.Tyr66Cys). The tyrosine residue is highly conserved and there is a large physicochemical difference between tyrosine and cysteine.

NM_001191061.2(SLC25A22):c.197A>G (p.Tyr66Cys)

Gene: SLC25A22 (solute carrier family 25 member 22; minus strand). Cytogenetic location: 11p15.5.
Variant type: single nucleotide variant.
Coding change: c.197A>G on transcript NM_001191061.2 (MANE Select); coding-DNA position 197, A replaced by G.
Protein change: p.Tyr66Cys; replaces tyrosine 66 with cysteine.
Molecular consequence: missense variant.
Genome position (GRCh38, 1-based): chr11:794,463, T>C on the plus strand (A>G on the coding strand, the complement: SLC25A22 is on the minus strand). VCF-style: chr11-794463-T-C. GRCh37 (hg19) VCF-style: chr11-794463-T-C.
Other names: c.197A>G, p.Tyr66Cys (NM_001191060.2, NM_024698.6); short protein forms Y66C.
Identifiers: ClinVar variation 1514366 (VCV001514366.9), dbSNP rs2133710794, ClinGen allele CA378921236.
Genomic context (GRCh38, chr11:794,463, plus strand): 5'-CTCGCGGGCGCTACCCAGGCCTGCCCATATCGAGCCCAGCCGAGCCAAACCTCACCCCGG[T>C]ACATGCCGAAGTAGCCCTCGGAGCGGACGGTCTTGATGAGGCAGTCGGACCTGTGGCCAA-3'
Protein context (NP_001177990.1, residues 56-76): TVRSEGYFGM[Tyr66Cys]RGAAVNLTLV